The following is an entry in ClinVar:

ClinVar aggregate classification (germline): Uncertain significance (1 of 4 stars; one submission).

Conditions:
LAMA2-related muscular dystrophy (LAMA2-RD). Also called: Laminin alpha 2-related dystrophy. Identifiers: MedGen C5679788, MONDO:0100228.

Allele frequency attached by ClinVar (database versions not stated): TOPMed below 0.00001; gnomAD exomes 0.00001.
gnomAD v4.1: 2 of 1,568,100 alleles (0.00013%); highest among the groups gnomAD compares: Non-Finnish European, 0.00018%; no homozygotes.

Submission:

Labcorp Genetics (formerly Invitae), Labcorp
Classification: Uncertain significance for LAMA2-related muscular dystrophy. Last evaluated: 2021-11-23. Review status: criteria provided, single submitter. Criteria: Invitae Variant Classification Sherloc (09022015). Collection method: clinical testing. Allele origin: germline.
Comment: This sequence change falls in intron 9 of the LAMA2 gene. It does not directly change the encoded amino acid sequence of the LAMA2 protein. It affects a nucleotide within the consensus splice site. This variant is present in population databases (no rsID available, gnomAD 0.003%). This variant has been observed in individual(s) with congenital muscular dystrophy (PMID: 28688748). Variants that disrupt the consensus splice site are a relatively common cause of aberrant splicing (PMID: 17576681, 9536098). Algorithms developed to predict the effect of sequence changes on RNA splicing suggest that this variant may disrupt the consensus splice site. In summary, the available evidence is currently insufficient to determine the role of this variant in disease. Therefore, it has been classified as a Variant of Uncertain Significance.

Literature cited by the submitters: PubMed 28688748; PubMed 17576681; PubMed 9536098.

NM_000426.4(LAMA2):c.1306+5G>A

Gene: LAMA2 (laminin subunit alpha 2; plus strand). Cytogenetic location: 6q22.33.
Variant type: single nucleotide variant.
Coding change: c.1306+5G>A on transcript NM_000426.4 (MANE Select); 5 bases into the intron after coding-DNA position 1306, G replaced by A.
Molecular consequence: intron variant.
Genome position (GRCh38, 1-based): chr6:129,165,680, G>A. VCF-style: chr6-129165680-G-A. GRCh37 (hg19) VCF-style: chr6-129486825-G-A.
Other names: c.1306+5G>A (NM_001079823.2).
Identifiers: ClinVar variation 1419597 (VCV001419597.3), dbSNP rs1263301138, ClinGen allele CA570046931.